The following is an entry in ClinVar:

ClinVar aggregate classification (germline): Uncertain significance. Review status: criteria provided, multiple submitters, no conflicts (2 of 4 stars). 2 submissions from 2 submitters: Uncertain significance (2). Last evaluated 2025-10-05.

Conditions:
Colorectal cancer, hereditary nonpolyposis, type 7. Identifiers: Orphanet 144, MedGen C1858380, MONDO:0013725, OMIM 614385.

Allele frequency attached by ClinVar (database versions not stated): TOPMed below 0.00001.

Submissions (2):

Ambry Genetics
Classification: Uncertain significance. Last evaluated: 2025-10-05. Review status: criteria provided, single submitter. Criteria: Ambry Variant Classification Scheme 2023. Collection method: clinical testing. Allele origin: germline.
Comment: The p.T147I variant (also known as c.440C>T), located in coding exon 1 of the MLH3 gene, results from a C to T substitution at nucleotide position 440. The threonine at codon 147 is replaced by isoleucine, an amino acid with similar properties. This amino acid position is conserved. In addition, this alteration is predicted to be tolerated by in silico analysis. Since supporting evidence is limited at this time, the clinical significance of this alteration remains unclear.

Labcorp Genetics (formerly Invitae), Labcorp
Classification: Uncertain significance for Colorectal cancer, hereditary nonpolyposis, type 7. Last evaluated: 2022-06-20. Review status: criteria provided, single submitter. Criteria: Invitae Variant Classification Sherloc (09022015). Collection method: clinical testing. Allele origin: germline.
Comment: This variant is not present in population databases (gnomAD no frequency). In summary, the available evidence is currently insufficient to determine the role of this variant in disease. Therefore, it has been classified as a Variant of Uncertain Significance. Algorithms developed to predict the effect of missense changes on protein structure and function output the following: SIFT: "Tolerated"; PolyPhen-2: "Benign"; Align-GVGD: "Class C0". The isoleucine amino acid residue is found in multiple mammalian species, which suggests that this missense change does not adversely affect protein function. This variant has not been reported in the literature in individuals affected with MLH3-related conditions. This sequence change replaces threonine, which is neutral and polar, with isoleucine, which is neutral and non-polar, at codon 147 of the MLH3 protein (p.Thr147Ile).

NM_001040108.2(MLH3):c.440C>T (p.Thr147Ile)

Gene: MLH3 (mutL homolog 3; minus strand). Cytogenetic location: 14q24.3.
Variant type: single nucleotide variant.
Coding change: c.440C>T on transcript NM_001040108.2 (MANE Select); coding-DNA position 440, C replaced by T.
Protein change: p.Thr147Ile; replaces threonine 147 with isoleucine.
Molecular consequence: missense variant.
Genome position (GRCh38, 1-based): chr14:75,049,216, G>A on the plus strand (C>T on the coding strand, the complement: MLH3 is on the minus strand). VCF-style: chr14-75049216-G-A. GRCh37 (hg19) VCF-style: chr14-75515919-G-A.
Other names: c.440C>T, p.Thr147Ile (NM_014381.3); short protein forms T147I.
Identifiers: ClinVar variation 1740382 (VCV001740382.8), dbSNP rs1892493006, ClinGen allele CA390450271.